The following is an entry in ClinVar:

NM_007186.6(CEP250):c.3202C>A (p.Leu1068Ile)

Gene: CEP250 (centrosomal protein 250; plus strand). Cytogenetic location: 20q11.22.
Variant type: single nucleotide variant.
Coding change: c.3202C>A on transcript NM_007186.6 (MANE Select); coding-DNA position 3202, C replaced by A.
Protein change: p.Leu1068Ile; replaces leucine 1068 with isoleucine.
Molecular consequence: missense variant.
Genome position (GRCh38, 1-based): chr20:35,496,611, C>A. VCF-style: chr20-35496611-C-A. GRCh37 (hg19) VCF-style: chr20-34084440-C-A.
Other names: c.1306C>A, p.Leu436Ile (NM_001318219.1); short protein forms L436I, L1068I.
Identifiers: ClinVar variation 1946133 (VCV001946133.2), dbSNP rs752552412, ClinGen allele CA9833417.
Genomic context (GRCh38, chr20:35,496,611, plus strand): 5'-CAGCACTCTGACCCCTCTCTTTTTAGCCTGACTCTCTCACTGATGGAAAAGGAACAGAGA[C>A]TCCTTGTTTTACAAGAAGCTGACTCTATTCGACAACAAGAGCTGAGTGCCCTGCGCCAGG-3'
Protein context (NP_009117.2, residues 1058-1078): TLSLMEKEQR[Leu1068Ile]LVLQEADSIR

ClinVar aggregate classification (germline): Uncertain significance (1 of 4 stars; one submission).

Submission:

Labcorp Genetics (formerly Invitae), Labcorp
Classification: Uncertain significance. Last evaluated: 2022-03-24. Review status: criteria provided, single submitter. Criteria: Invitae Variant Classification Sherloc (09022015). Collection method: clinical testing. Allele origin: germline.
Comment: This sequence change replaces leucine, which is neutral and non-polar, with isoleucine, which is neutral and non-polar, at codon 1068 of the CEP250 protein (p.Leu1068Ile). This variant is present in population databases (rs752552412, gnomAD 0.03%). This variant has not been reported in the literature in individuals affected with CEP250-related conditions. Algorithms developed to predict the effect of missense changes on protein structure and function are either unavailable or do not agree on the potential impact of this missense change (SIFT: "Not Available"; PolyPhen-2: "Probably Damaging"; Align-GVGD: "Not Available"). In summary, the available evidence is currently insufficient to determine the role of this variant in disease. Therefore, it has been classified as a Variant of Uncertain Significance.